The following is an entry in ClinVar:

ClinVar aggregate classification (germline): Pathogenic (1 of 4 stars; one submission).

Submission:

Labcorp Genetics (formerly Invitae), Labcorp
Classification: Pathogenic. Last evaluated: 2018-08-30. Review status: criteria provided, single submitter. Criteria: Invitae Variant Classification Sherloc (09022015). Collection method: clinical testing. Allele origin: germline.
Comment: A gross deletion of the genomic region encompassing the full coding sequence of the FAN1 gene has been identified. The boundaries of this event are unknown as the deletion extends beyond the assayed region for this gene and therefore may encompass additional genes. This deletion has not been reported in the literature in individuals with FAN1-related disease. Loss-of-function variants in FAN1 are known to be pathogenic (PMID: 22772369). For these reasons, this variant has been classified as Pathogenic.

NC_000015.10:g.(?_30614386)_(30952038_?)del

Genes: MTMR10 (myotubularin related protein 10; minus strand), ARHGAP11B (Rho GTPase activating protein 11B), ARHGAP11B-DT (ARHGAP11B divergent transcript), FAN1 (FANCD2 and FANCI associated nuclease 1; plus strand), GOLGA8H (golgin A8 family member H) and 5 more. Cytogenetic location: 15q13.2-13.3.
Variant type: Deletion.
Identifiers: ClinVar variation 665047 (VCV000665047.1).